The following is an entry in ClinVar:

NM_001903.5(CTNNA1):c.781del (p.Ala261fs)

Gene: CTNNA1 (catenin alpha 1; plus strand). Cytogenetic location: 5q31.2.
Variant type: Deletion.
Coding change: c.781del on transcript NM_001903.5 (MANE Select); coding-DNA position 781, one base deleted (G; older notation c.781delG).
Protein change: p.Ala261fs; shifts the reading frame from alanine 261.
Molecular consequence: frameshift variant.
Genome position (GRCh38, 1-based): chr5:138,824,722, G deleted; the last of 2 consecutive G bases (chr5:138,824,721-138,824,722); deleting either gives the same sequence. VCF-style (leftmost placement, unchanged base first): chr5-138824720-AG-A. GRCh37 (hg19) VCF-style: chr5-138160409-AG-A.
Other names: c.781del, p.Ala261fs (NM_001290307.3, NM_001323982.2, NM_001323983.1 and 3 more transcripts); c.472del, p.Ala158fs (NM_001290309.3); c.412del, p.Ala138fs (NM_001290310.3); short protein forms A138fs, A261fs, A158fs.
Identifiers: ClinVar variation 1760767 (VCV001760767.3), dbSNP rs2532425702, ClinGen allele CA2580072903.

ClinVar aggregate classification (germline): Pathogenic (1 of 4 stars; one submission).

Conditions:
Hereditary cancer-predisposing syndrome. Also called: Neoplastic Syndromes, Hereditary; Tumor predisposition; Hereditary Cancer Syndrome; Hereditary neoplastic syndrome. Identifiers: Orphanet 140162, MedGen C0027672, MeSH D009386, MONDO:0015356.

Submission:

Ambry Genetics
Classification: Pathogenic for Hereditary cancer-predisposing syndrome. Last evaluated: 2025-07-14. Review status: criteria provided, single submitter. Criteria: Ambry Variant Classification Scheme 2023. Collection method: clinical testing. Allele origin: germline.
Comment: The c.781delG pathogenic mutation, located in coding exon 5 of the CTNNA1 gene, results from a deletion of one nucleotide at nucleotide position 781, causing a translational frameshift with a predicted alternate stop codon (p.A261Pfs*34). This variant is considered to be rare based on population cohorts in the Genome Aggregation Database (gnomAD). This alteration is expected to result in loss of function by premature protein truncation or nonsense-mediated mRNA decay. As such, this alteration is interpreted as a disease-causing mutation.